The following is an entry in ClinVar:

NM_003900.5(SQSTM1):c.649C>T (p.Arg217Cys)

Gene: SQSTM1 (sequestosome 1; plus strand). Cytogenetic location: 5q35.3.
Variant type: single nucleotide variant.
Coding change: c.649C>T on transcript NM_003900.5 (MANE Select); coding-DNA position 649, C replaced by T.
Protein change: p.Arg217Cys; replaces arginine 217 with cysteine.
Molecular consequence: missense variant.
Genome position (GRCh38, 1-based): chr5:179,824,299, C>T. VCF-style: chr5-179824299-C-T. GRCh37 (hg19) VCF-style: chr5-179251299-C-T.
Other names: c.397C>T, p.Arg133Cys (NM_001142298.2, NM_001142299.2); short protein forms R133C, R217C.
Identifiers: ClinVar variation 644487 (VCV000644487.12), dbSNP rs867275286, ClinGen allele CA133099233.

ClinVar aggregate classification (germline): Uncertain significance. Review status: criteria provided, multiple submitters, no conflicts (2 of 4 stars). 3 submissions from 3 submitters: Uncertain significance (2). 1 of the submissions does not count toward it. Last evaluated 2025-11-10.

Conditions:
SQSTM1-related disorder. Also called: SQSTM1-Related Disorders.
Paget disease of bone 3. Identifiers: MedGen C4085252, MONDO:0008176, OMIM 167250.
Frontotemporal dementia and/or amyotrophic lateral sclerosis 1 (FTDALS1). Also called: Frontotemporal dementia with motor neuron disease 1; C9orf72 Frontotemporal Dementia and/or Amyotrophic Lateral Sclerosis. Identifiers: Orphanet 275872, MedGen C5779877, MONDO:0007105, OMIM 105550.
Paget disease of bone 2, early-onset (PDB2). Also called: Paget disease of bone 2. Identifiers: MedGen C4085251, MONDO:0011183, OMIM 602080.

Allele frequency attached by ClinVar (database versions not stated): gnomAD 0.00001; gnomAD exomes 0.00001; TOPMed 0.00002.
gnomAD v4.1: 10 of 1,613,534 alleles (0.00062%); highest among the groups gnomAD compares: African/African-American, 0.0027%; no homozygotes.

Submissions (3):

Labcorp Genetics (formerly Invitae), Labcorp
Classification: Uncertain significance for Paget disease of bone 2, early-onset; Frontotemporal dementia and/or amyotrophic lateral sclerosis 1. Last evaluated: 2025-11-10. Review status: criteria provided, single submitter. Criteria: Invitae Variant Classification Sherloc (09022015). Collection method: clinical testing. Allele origin: germline.
Comment: This sequence change replaces arginine, which is basic and polar, with cysteine, which is neutral and slightly polar, at codon 217 of the SQSTM1 protein (p.Arg217Cys). This variant is present in population databases (no rsID available, gnomAD 0.007%). This missense change has been observed in individual(s) with amyotrophic lateral sclerosis (PMID: 39122262). ClinVar contains an entry for this variant (Variation ID: 644487). Invitae Evidence Modeling of protein sequence and biophysical properties (such as structural, functional, and spatial information, amino acid conservation, physicochemical variation, residue mobility, and thermodynamic stability) indicates that this missense variant is not expected to disrupt SQSTM1 protein function with a negative predictive value of 80%. In summary, the available evidence is currently insufficient to determine the role of this variant in disease. Therefore, it has been classified as a Variant of Uncertain Significance.

Illumina Laboratory Services, Illumina
Classification: Uncertain significance for Paget disease of bone 3. Last evaluated: 2018-01-12. Review status: criteria provided, single submitter. Criteria: ICSL Variant Classification Criteria 13 December 2019. Collection method: clinical testing. Allele origin: germline.

PreventionGenetics, part of Exact Sciences
Classification: Uncertain significance for SQSTM1-related condition. Last evaluated: 2024-05-23. Review status: no assertion criteria provided. Collection method: clinical testing. Allele origin: germline. Not counted in ClinVar's aggregate classification.
Comment: The SQSTM1 c.649C>T variant is predicted to result in the amino acid substitution p.Arg217Cys. To our knowledge, this variant has not been reported in the literature. This variant is reported in 0.0062% of alleles in individuals of African descent in gnomAD. At this time, the clinical significance of this variant is uncertain due to the absence of conclusive functional and genetic evidence.

Literature cited by the submitters: PubMed 39122262 (cited by Labcorp Genetics (formerly Invitae), Labcorp).